The following is an entry in ClinVar:

ClinVar aggregate classification (germline): Uncertain significance (1 of 4 stars; one submission).

Conditions:
Ehlers-Danlos syndrome, classic type, 1 (EDSCL1). Also called: EHLERS-DANLOS SYNDROME, GRAVIS TYPE; EHLERS-DANLOS SYNDROME, SEVERE CLASSIC TYPE; Ehlers-Danlos syndrome, type 1; Ehlers-Danlos Syndrome, Classic Type, COL5A1-Related; EDS I. Identifiers: MedGen C0268335, MONDO:0019567, OMIM 130000.
Osteogenesis imperfecta type I (OI1). Also called: OI, TYPE I; OSTEOGENESIS IMPERFECTA TARDA; OSTEOGENESIS IMPERFECTA WITH BLUE SCLERAE; Osteogenesis imperfecta type 1; Lobstein's Disease; Lobstein disease. Identifiers: Orphanet 216796, Orphanet 666, MedGen C0023931, MONDO:0008146, OMIM 166200. Disease mechanism: loss of function.

Allele frequency attached by ClinVar (database versions not stated): TOPMed below 0.00001.

Submission:

Labcorp Genetics (formerly Invitae), Labcorp
Classification: Uncertain significance for Osteogenesis imperfecta type I; Ehlers-Danlos syndrome, classic type, 1. Last evaluated: 2022-06-13. Review status: criteria provided, single submitter. Criteria: Invitae Variant Classification Sherloc (09022015). Collection method: clinical testing. Allele origin: germline.
Comment: In summary, the available evidence is currently insufficient to determine the role of this variant in disease. Therefore, it has been classified as a Variant of Uncertain Significance. The frequency data for this variant in the population databases is considered unreliable, as metrics indicate poor data quality at this position in the gnomAD database. This sequence change replaces glutamic acid, which is acidic and polar, with lysine, which is basic and polar, at codon 28 of the COL1A2 protein (p.Glu28Lys). This variant has not been reported in the literature in individuals affected with COL1A2-related conditions. Algorithms developed to predict the effect of sequence changes on RNA splicing suggest that this variant may disrupt the consensus splice site. Algorithms developed to predict the effect of missense changes on protein structure and function are either unavailable or do not agree on the potential impact of this missense change (SIFT: "Tolerated"; PolyPhen-2: "Not Available"; Align-GVGD: "Class C0").

NM_000089.4(COL1A2):c.82G>A (p.Glu28Lys)

Gene: COL1A2 (collagen type I alpha 2 chain; plus strand). Cytogenetic location: 7q21.3.
Variant type: single nucleotide variant.
Coding change: c.82G>A on transcript NM_000089.4 (MANE Select); coding-DNA position 82, G replaced by A.
Protein change: p.Glu28Lys; replaces glutamic acid 28 with lysine.
Molecular consequence: missense variant.
Genome position (GRCh38, 1-based): chr7:94,398,382, G>A. VCF-style: chr7-94398382-G-A. GRCh37 (hg19) VCF-style: chr7-94027694-G-A.
Other names: short protein forms E28K.
Identifiers: ClinVar variation 1448625 (VCV001448625.8), dbSNP rs1479695906, ClinGen allele CA368218982.